The following is an entry in ClinVar:

ClinVar aggregate classification (germline): Benign/Likely benign. Review status: criteria provided, multiple submitters, no conflicts (2 of 4 stars). 8 submissions from 7 submitters: Benign (2); Likely benign (6). Last evaluated 2025-12-29.

Conditions:
Dyskeratosis congenita, autosomal dominant 3. Identifiers: MedGen C3151445, MONDO:0013522, OMIM 613990.
Revesz syndrome. Also called: DYSKERATOSIS CONGENITA, AUTOSOMAL DOMINANT 5; EXUDATIVE RETINOPATHY WITH BONE MARROW FAILURE. Identifiers: Orphanet 3088, MedGen C1327916, MONDO:0009990, OMIM 268130.
Dyskeratosis congenita. Identifiers: Orphanet 1775, MedGen C0265965, MONDO:0015780.

Allele frequency attached by ClinVar (database versions not stated): gnomAD 0.00023 and 0.00024; TOPMed 0.00023; gnomAD exomes 0.00026 and 0.00036; ExAC 0.00037; 1000 Genomes Project 0.00040; ESP Exome Variant Server 0.00041; 1000 Genomes Project 30x 0.00047.

Submissions (8):

Center for Genomic Medicine, Rigshospitalet, Copenhagen University Hospital
Classification: Likely benign. Last evaluated: 2025-12-29. Review status: criteria provided, single submitter. Criteria: ACMG Guidelines, 2015. Collection method: clinical testing. Allele origin: germline.

Labcorp Genetics (formerly Invitae), Labcorp
Classification: Likely benign for Dyskeratosis congenita. Last evaluated: 2025-12-23. Review status: criteria provided, single submitter. Criteria: Invitae Variant Classification Sherloc (09022015). Collection method: clinical testing. Allele origin: germline.

Blueprint Genetics
Classification: Likely benign. Last evaluated: 2024-10-24. Review status: criteria provided, single submitter. Criteria: ACMG Guidelines, 2015. Collection method: clinical testing. Allele origin: germline.

Ambry Genetics
Classification: Likely benign for Dyskeratosis congenita. Last evaluated: 2024-10-02. Review status: criteria provided, single submitter. Criteria: Ambry Variant Classification Scheme 2023. Collection method: clinical testing. Allele origin: germline.

Sema4
Classification: Likely benign for Dyskeratosis congenita. Last evaluated: 2021-03-02. Review status: criteria provided, single submitter. Criteria: Sema4 Curation Guidelines. Collection method: curation. Allele origin: germline.

Illumina Laboratory Services, Illumina
Classification: Benign for Dyskeratosis congenita, autosomal dominant 3. Last evaluated: 2018-01-13. Review status: criteria provided, single submitter. Criteria: ICSL Variant Classification Criteria 13 December 2019. Collection method: clinical testing. Allele origin: germline.
Comment: This variant was observed in the ICSL laboratory as part of a predisposition screen in an ostensibly healthy population. It had not been previously curated by ICSL or reported in the Human Gene Mutation Database (HGMD: prior to June 1st, 2018), and was therefore a candidate for classification through an automated scoring system. Utilizing variant allele frequency, disease prevalence and penetrance estimates, and inheritance mode, an automated score was calculated to assess if this variant is too frequent to cause the disease. Based on the score and internal cut-off values, a variant classified as benign is not then subjected to further curation. The score for this variant resulted in a classification of benign for this disease.

Illumina Laboratory Services, Illumina
Classification: Benign for Revesz syndrome. Last evaluated: 2018-01-13. Review status: criteria provided, single submitter. Criteria: ICSL Variant Classification Criteria 13 December 2019. Collection method: clinical testing. Allele origin: germline.
Comment: the same text as in the submission from Illumina Laboratory Services, Illumina above.

Breakthrough Genomics
Classification: Likely benign. Review status: criteria provided, single submitter. Criteria: ACMG Guidelines, 2015. Collection method: not provided. Allele origin: germline. Inheritance: Autosomal dominant inheritance. Affected: yes.

NM_001099274.3(TINF2):c.1290C>G (p.Pro430=)

Gene: TINF2 (TERF1 interacting nuclear factor 2; minus strand). Cytogenetic location: 14q12.
Variant type: single nucleotide variant.
Coding change: c.1290C>G on transcript NM_001099274.3 (MANE Select); coding-DNA position 1290, C replaced by G.
Protein change: p.Pro430=; no amino-acid change (proline 430 retained).
Molecular consequence: synonymous variant. On other transcripts: 3 prime UTR variant (1).
Genome position (GRCh38, 1-based): chr14:24,239,863, G>C on the plus strand (C>G on the coding strand, the complement: TINF2 is on the minus strand). VCF-style: chr14-24239863-G-C. GRCh37 (hg19) VCF-style: chr14-24709069-G-C.
Other names: c.1185C>G, p.Pro395= (NM_001363668.2); c.*552C>G (NM_012461.3).
Identifiers: ClinVar variation 312945 (VCV000312945.19), dbSNP rs201083863, ClinGen allele CA7130422.
Genomic context (GRCh38, chr14:24,239,863, plus strand): 5'-AGGTCTAGAACTGTCTCTACAGTCACAGGAAGAAACAGGTATGGCACCGTGGCCAGAAGG[G>C]GGTAGGTATTCACAGAGAGTGGGTATCAAGGTGTCAAACTTTGTCTTCTGATAGTTTTCC-3'
Protein context (NP_001092744.1, residues 420-440): TLIPTLCEYL[Pro430=]PSGHGAIPVS